The following is an entry in ClinVar:

ClinVar aggregate classification (germline): Uncertain significance. Review status: criteria provided, multiple submitters, no conflicts (2 of 4 stars). 2 submissions from 2 submitters: Uncertain significance (2). Last evaluated 2025-10-13.

Conditions:
Camptodactyly-tall stature-scoliosis-hearing loss syndrome. Also called: CATSHL SYNDROME. Identifiers: Orphanet 85164, MedGen C1864852, MONDO:0012504, OMIM 610474.

Allele frequency attached by ClinVar (database versions not stated): gnomAD exomes below 0.00001.
gnomAD v4.1: 1 of 1,613,138 alleles (0.000062%); highest among the groups gnomAD compares: Non-Finnish European, 0.000085%; no homozygotes.

Submissions (2):

Labcorp Genetics (formerly Invitae), Labcorp
Classification: Uncertain significance. Last evaluated: 2025-10-13. Review status: criteria provided, single submitter. Criteria: Invitae Variant Classification Sherloc (09022015). Collection method: clinical testing. Allele origin: germline.
Comment: This sequence change replaces proline, which is neutral and non-polar, with leucine, which is neutral and non-polar, at codon 694 of the FGFR3 protein (p.Pro694Leu). This variant is not present in population databases (gnomAD no frequency). This variant has not been reported in the literature in individuals affected with FGFR3-related conditions. ClinVar contains an entry for this variant (Variation ID: 3024549). Invitae Evidence Modeling of protein sequence and biophysical properties (such as structural, functional, and spatial information, amino acid conservation, physicochemical variation, residue mobility, and thermodynamic stability) indicates that this missense variant is expected to disrupt FGFR3 protein function with a positive predictive value of 95%. In summary, the available evidence is currently insufficient to determine the role of this variant in disease. Therefore, it has been classified as a Variant of Uncertain Significance.

Pediatric/Medical Genetics, Ministry of Health, Qatif Central Hospital
Classification: Uncertain significance for Camptodactyly-tall stature-scoliosis-hearing loss syndrome. Review status: criteria provided, single submitter. Criteria: ACMG Guidelines, 2015. Collection method: clinical testing. Allele origin: germline. Inheritance: Autosomal dominant inheritance. Affected: yes.

NM_000142.5(FGFR3):c.2081C>T (p.Pro694Leu)

Gene: FGFR3 (fibroblast growth factor receptor 3; plus strand). Cytogenetic location: 4p16.3.
Variant type: single nucleotide variant.
Coding change: c.2081C>T on transcript NM_000142.5 (MANE Select); coding-DNA position 2081, C replaced by T.
Protein change: p.Pro694Leu; replaces proline 694 with leucine.
Molecular consequence: missense variant. On other transcripts: synonymous variant (1), non-coding transcript variant (1).
Genome position (GRCh38, 1-based): chr4:1,806,596, C>T. VCF-style: chr4-1806596-C-T. GRCh37 (hg19) VCF-style: chr4-1808323-C-T.
Other names: c.2087C>T, p.Pro696Leu (NM_001163213.2); c.2084C>T, p.Pro695Leu (NM_001354809.2); c.2013C>T, p.Pro671= (NM_001354810.2); c.1745C>T, p.Pro582Leu (NM_022965.4); short protein forms P582L, P694L, P695L, P696L.
Identifiers: ClinVar variation 3024549 (VCV003024549.3), dbSNP rs2108811803, ClinGen allele CA355983597.